The following is an entry in ClinVar:

ClinVar aggregate classification (germline): Uncertain significance (1 of 4 stars; one submission).

Allele frequency attached by ClinVar (database versions not stated): gnomAD 0.00005; ExAC 0.00001; gnomAD exomes below 0.00001; TOPMed 0.00004.
gnomAD v4.1: 12 of 1,613,936 alleles (0.00074%); highest among the groups gnomAD compares: African/African-American, 0.0093%; no homozygotes.

Submission:

GeneDx
Classification: Uncertain significance. Last evaluated: 2024-06-07. Review status: criteria provided, single submitter. Criteria: GeneDx Variant Classification Process June 2021. Collection method: clinical testing. Allele origin: germline.
Comment: Not observed at significant frequency in large population cohorts (gnomAD); In silico analysis indicates that this missense variant does not alter protein structure/function; Has not been previously published as pathogenic or benign to our knowledge

NM_152703.5(SAMD9L):c.184T>C (p.Trp62Arg)

Gene: SAMD9L (sterile alpha motif domain containing 9 like; minus strand). Cytogenetic location: 7q21.2.
Variant type: single nucleotide variant.
Coding change: c.184T>C on transcript NM_152703.5 (MANE Select); coding-DNA position 184, T replaced by C.
Protein change: p.Trp62Arg; replaces tryptophan 62 with arginine.
Molecular consequence: missense variant.
Genome position (GRCh38, 1-based): chr7:93,135,788, A>G on the plus strand (T>C on the coding strand, the complement: SAMD9L is on the minus strand). VCF-style: chr7-93135788-A-G. GRCh37 (hg19) VCF-style: chr7-92765101-A-G.
Other names: c.184T>C, p.Trp62Arg (NM_001303496.3, NM_001303497.3, NM_001303498.3 and 5 more transcripts); short protein forms W62R.
Identifiers: ClinVar variation 1712602 (VCV001712602.3), dbSNP rs781141608, ClinGen allele CA4343914.